The following is an entry in ClinVar:

ClinVar aggregate classification (germline): Uncertain significance. Review status: criteria provided, multiple submitters, no conflicts (2 of 4 stars). 4 submissions from 4 submitters: Uncertain significance (4). Last evaluated 2025-06-17.

Conditions:
Inborn genetic diseases. Identifiers: MedGen C0950123, MeSH D030342.
Developmental and epileptic encephalopathy, 18 (DEE18). Also called: Early infantile epileptic encephalopathy 18. Identifiers: Orphanet 369894, MedGen C3809624, MONDO:0014201, OMIM 615476.

Allele frequency attached by ClinVar (database versions not stated): TOPMed 0.00003; gnomAD exomes 0.00002 and 0.00003; ExAC 0.00003.
gnomAD v4.1: 45 of 1,613,208 alleles (0.0028%); highest among the groups gnomAD compares: South Asian, 0.0044%; no homozygotes.

Submissions (4):

Ambry Genetics
Classification: Uncertain significance for Inborn genetic diseases. Last evaluated: 2025-06-17. Review status: criteria provided, single submitter. Criteria: Ambry Variant Classification Scheme 2023. Collection method: clinical testing. Allele origin: germline.

Genome-Nilou Lab
Classification: Uncertain significance for Developmental and epileptic encephalopathy, 18. Last evaluated: 2023-04-11. Review status: criteria provided, single submitter. Criteria: ACMG Guidelines, 2015. Collection method: clinical testing. Allele origin: germline. Affected: no.

Labcorp Genetics (formerly Invitae), Labcorp
Classification: Uncertain significance. Last evaluated: 2022-03-23. Review status: criteria provided, single submitter. Criteria: Invitae Variant Classification Sherloc (09022015). Collection method: clinical testing. Allele origin: germline.
Comment: This sequence change replaces alanine, which is neutral and non-polar, with threonine, which is neutral and polar, at codon 2883 of the SZT2 protein (p.Ala2883Thr). This variant is present in population databases (rs199778444, gnomAD 0.006%). This variant has not been reported in the literature in individuals affected with SZT2-related conditions. ClinVar contains an entry for this variant (Variation ID: 961822). Algorithms developed to predict the effect of missense changes on protein structure and function output the following: SIFT: "Tolerated"; PolyPhen-2: "Benign"; Align-GVGD: "Class C0". The threonine amino acid residue is found in multiple mammalian species, which suggests that this missense change does not adversely affect protein function. In summary, the available evidence is currently insufficient to determine the role of this variant in disease. Therefore, it has been classified as a Variant of Uncertain Significance.

GeneDx
Classification: Uncertain significance. Last evaluated: 2022-03-17. Review status: criteria provided, single submitter. Criteria: GeneDx Variant Classification Process June 2021. Collection method: clinical testing. Allele origin: germline. Affected: yes.
Comment: Not observed at significant frequency in large population cohorts (gnomAD); In silico analysis supports that this missense variant does not alter protein structure/function; Has not been previously published as pathogenic or benign to our knowledge

NM_001365999.1(SZT2):c.8818G>A (p.Ala2940Thr)

Gene: SZT2 (SZT2 subunit of KICSTOR complex; plus strand). Cytogenetic location: 1p34.2.
Variant type: single nucleotide variant.
Coding change: c.8818G>A on transcript NM_001365999.1 (MANE Select); coding-DNA position 8818, G replaced by A.
Protein change: p.Ala2940Thr; replaces alanine 2940 with threonine.
Molecular consequence: missense variant.
Genome position (GRCh38, 1-based): chr1:43,443,789, G>A. VCF-style: chr1-43443789-G-A. GRCh37 (hg19) VCF-style: chr1-43909460-G-A.
Other names: c.8647G>A, p.Ala2883Thr (NM_015284.4); short protein forms A2883T, A2940T.
Identifiers: ClinVar variation 961822 (VCV000961822.11), dbSNP rs199778444, ClinGen allele CA810681.